The following is an entry in ClinVar:

ClinVar aggregate classification (germline): Uncertain significance (1 of 4 stars; one submission).

Submission:

Labcorp Genetics (formerly Invitae), Labcorp
Classification: Uncertain significance. Last evaluated: 2023-08-17. Review status: criteria provided, single submitter. Criteria: Invitae Variant Classification Sherloc (09022015). Collection method: clinical testing. Allele origin: germline.
Comment: In summary, the available evidence is currently insufficient to determine the role of this variant in disease. Therefore, it has been classified as a Variant of Uncertain Significance. Experimental studies and prediction algorithms are not available or were not evaluated, and the effect of this variant on mRNA splicing is currently unknown. This variant has not been reported in the literature in individuals affected with COL4A1-related conditions. Information on the frequency of this variant in the gnomAD database is not available, as this variant may be reported differently in the database. This sequence change falls in intron 43 of the COL4A1 gene. It does not directly change the encoded amino acid sequence of the COL4A1 protein.

NM_001845.6(COL4A1):c.3877-10_3877-9delinsTT

Gene: COL4A1 (collagen type IV alpha 1 chain; minus strand). Cytogenetic location: 13q34.
Variant type: Indel.
Coding change: c.3877-10_3877-9delinsTT on transcript NM_001845.6 (MANE Select); 10 bases into the intron before coding-DNA position 3877 through 9 bases into the intron before coding-DNA position 3877, GC replaced by TT.
Molecular consequence: intron variant.
Genome position (GRCh38, 1-based): chr13:110,167,239-110,167,240, GC replaced by AA on the plus strand (GC replaced by TT on the coding strand, the reverse complement: COL4A1 is on the minus strand). VCF-style: chr13-110167239-GC-AA. GRCh37 (hg19) VCF-style: chr13-110819586-GC-AA.
Identifiers: ClinVar variation 2753605 (VCV002753605.3), dbSNP rs2501752175, ClinGen allele CA2697551928.